The following is an entry in ClinVar:

NM_016032.4(ZDHHC9):c.1025G>A (p.Ser342Asn)

Gene: ZDHHC9 (zDHHC palmitoyltransferase 9; minus strand). Cytogenetic location: Xq26.1.
Variant type: single nucleotide variant.
Coding change: c.1025G>A on transcript NM_016032.4 (MANE Select); coding-DNA position 1025, G replaced by A.
Protein change: p.Ser342Asn; replaces serine 342 with asparagine.
Molecular consequence: missense variant.
Genome position (GRCh38, 1-based): chrX:129,806,440, C>T on the plus strand (G>A on the coding strand, the complement: ZDHHC9 is on the minus strand). VCF-style: chrX-129806440-C-T. GRCh37 (hg19) VCF-style: chrX-128940416-C-T.
Other names: c.1025G>A, p.Ser342Asn (NM_001008222.3); short protein forms S342N.
Identifiers: ClinVar variation 1047631 (VCV001047631.8), dbSNP rs1242322529, ClinGen allele CA414578507.

ClinVar aggregate classification (germline): Uncertain significance (1 of 4 stars; one submission).

Conditions:
Intellectual developmental disorder, X-linked, syndromic, Raymond type. Also called: Syndromic X-linked intellectual disability Raymond type. Identifiers: MedGen C3275406, MONDO:0010427, OMIM 300799.

Allele frequency attached by ClinVar (database versions not stated): gnomAD exomes below 0.00001; gnomAD 0.00001; TOPMed below 0.00001.
gnomAD v4.1: 2 of 1,209,774 alleles (0.00017%); highest among the groups gnomAD compares: Non-Finnish European, 0.00022%; no homozygotes.

Submission:

Labcorp Genetics (formerly Invitae), Labcorp
Classification: Uncertain significance for Intellectual developmental disorder, X-linked, syndromic, Raymond type. Last evaluated: 2025-01-06. Review status: criteria provided, single submitter. Criteria: Invitae Variant Classification Sherloc (09022015). Collection method: clinical testing. Allele origin: germline.
Comment: This sequence change replaces serine, which is neutral and polar, with asparagine, which is neutral and polar, at codon 342 of the ZDHHC9 protein (p.Ser342Asn). This variant is not present in population databases (gnomAD no frequency). This variant has not been reported in the literature in individuals affected with ZDHHC9-related conditions. ClinVar contains an entry for this variant (Variation ID: 1047631). An algorithm developed to predict the effect of missense changes on protein structure and function outputs the following: PolyPhen-2: "Benign". The asparagine amino acid residue is found in multiple mammalian species, which suggests that this missense change does not adversely affect protein function. In summary, the available evidence is currently insufficient to determine the role of this variant in disease. Therefore, it has been classified as a Variant of Uncertain Significance.